The following is an entry in ClinVar:

ClinVar aggregate classification (germline): Uncertain significance (1 of 4 stars; one submission).

Conditions:
Joubert syndrome. Also called: JOUBERT-BOLTSHAUSER SYNDROME; Familial aplasia of the vermis. Identifiers: Orphanet 475, MedGen C5979921, MONDO:0018772.
Meckel-Gruber syndrome. Also called: DYSENCEPHALIA SPLANCHNOCYSTICA; GRUBER SYNDROME; Dysencephalia splachnocystica. Identifiers: Orphanet 564, MedGen C0265215, MONDO:0018921.

Allele frequency attached by ClinVar (database versions not stated): gnomAD 0.00001; gnomAD exomes 0.00001.
gnomAD v4.1: 16 of 1,607,902 alleles (0.001%); highest among the groups gnomAD compares: Middle Eastern, 0.033%; no homozygotes.

Submission:

Labcorp Genetics (formerly Invitae), Labcorp
Classification: Uncertain significance for Joubert syndrome; Meckel-Gruber syndrome. Last evaluated: 2022-08-09. Review status: criteria provided, single submitter. Criteria: Invitae Variant Classification Sherloc (09022015). Collection method: clinical testing. Allele origin: germline.
Comment: This sequence change replaces arginine, which is basic and polar, with cysteine, which is neutral and slightly polar, at codon 103 of the CC2D2A protein (p.Arg103Cys). The frequency data for this variant in the population databases is considered unreliable, as metrics indicate poor data quality at this position in the gnomAD database. This variant has not been reported in the literature in individuals affected with CC2D2A-related conditions. ClinVar contains an entry for this variant (Variation ID: 1500749). Algorithms developed to predict the effect of missense changes on protein structure and function are either unavailable or do not agree on the potential impact of this missense change (SIFT: "Deleterious"; PolyPhen-2: "Probably Damaging"; Align-GVGD: "Class C0"). In summary, the available evidence is currently insufficient to determine the role of this variant in disease. Therefore, it has been classified as a Variant of Uncertain Significance.

NM_001378615.1(CC2D2A):c.307C>T (p.Arg103Cys)

Genes: CC2D2A (coiled-coil and C2 domain containing 2A; plus strand), FBXL5 (F-box and leucine rich repeat protein 5; minus strand). Cytogenetic location: 4p15.32.
Variant type: single nucleotide variant.
Coding change: c.307C>T on transcript NM_001378615.1 (MANE Select); coding-DNA position 307, C replaced by T.
Protein change: p.Arg103Cys; replaces arginine 103 with cysteine.
Molecular consequence: missense variant.
Genome position (GRCh38, 1-based): chr4:15,502,488, C>T. VCF-style: chr4-15502488-C-T. GRCh37 (hg19) VCF-style: chr4-15504111-C-T.
Other names: c.307C>T, p.Arg103Cys (NM_001080522.2); c.160C>T, p.Arg54Cys (NM_001378617.1); short protein forms R103C, R54C.
Identifiers: ClinVar variation 1500749 (VCV001500749.5), dbSNP rs367699902, ClinGen allele CA92504617.